The following is an entry in ClinVar:

ClinVar aggregate classification (germline): Uncertain significance (1 of 4 stars; one submission).

gnomAD v4.1: 3 of 1,614,044 alleles (0.00019%); highest among the groups gnomAD compares: Non-Finnish European, 0.00025%; no homozygotes.

Submission:

CeGaT Center for Human Genetics Tuebingen
Classification: Uncertain significance. Last evaluated: 2025-04-01. Review status: criteria provided, single submitter. Criteria: CeGaT Center For Human Genetics Tuebingen Variant Classification Criteria Version 2. Collection method: clinical testing. Allele origin: germline. Affected: yes. Observed: 1 variant allele.
Comment: NEK8: PM2, BP4

NM_178170.3(NEK8):c.2047C>G (p.Arg683Gly)

Gene: NEK8 (NIMA related kinase 8; plus strand). Cytogenetic location: 17q11.2.
Variant type: single nucleotide variant.
Coding change: c.2047C>G on transcript NM_178170.3 (MANE Select); coding-DNA position 2047, C replaced by G.
Protein change: p.Arg683Gly; replaces arginine 683 with glycine.
Molecular consequence: missense variant.
Genome position (GRCh38, 1-based): chr17:28,741,568, C>G. VCF-style: chr17-28741568-C-G. GRCh37 (hg19) VCF-style: chr17-27068586-C-G.
Other names: short protein forms R683G.
Identifiers: ClinVar variation 3778618 (VCV003778618.7).